The following is an entry in ClinVar:

ClinVar aggregate classification (germline): Uncertain significance. Review status: criteria provided, multiple submitters, no conflicts (2 of 4 stars). 3 submissions from 3 submitters: Uncertain significance (3). Last evaluated 2025-12-29.

Conditions:
Hereditary cancer-predisposing syndrome. Also called: Neoplastic Syndromes, Hereditary; Hereditary neoplastic syndrome; Hereditary Cancer Syndrome; Tumor predisposition. Identifiers: Orphanet 140162, MedGen C0027672, MeSH D009386, MONDO:0015356.
POLD1-related polyposis and colorectal cancer syndrome (CRCS10). Also called: Colorectal cancer, susceptibility to, 10; Colorectal cancer 10; COLORECTAL CANCER, SUSCEPTIBILITY TO, ON CHROMOSOME 19q. Identifiers: Orphanet 220460, MedGen C2675481, MONDO:0012953, OMIM 612591.

Allele frequency attached by ClinVar (database versions not stated): TOPMed below 0.00001; gnomAD exomes 0.00001.
gnomAD v4.1: 6 of 1,560,410 alleles (0.00038%); highest among the groups gnomAD compares: Non-Finnish European, 0.00052%; no homozygotes.

Submissions (3):

Labcorp Genetics (formerly Invitae), Labcorp
Classification: Uncertain significance for POLD1-related polyposis and colorectal cancer syndrome. Last evaluated: 2025-12-29. Review status: criteria provided, single submitter. Criteria: Invitae Variant Classification Sherloc (09022015). Collection method: clinical testing. Allele origin: germline.
Comment: This sequence change replaces glutamic acid, which is acidic and polar, with lysine, which is basic and polar, at codon 1040 of the POLD1 protein (p.Glu1040Lys). This variant is present in population databases (no rsID available, gnomAD 0.002%). This variant has not been reported in the literature in individuals affected with POLD1-related conditions. ClinVar contains an entry for this variant (Variation ID: 391703). An algorithm developed to predict the effect of missense changes on protein structure and function (PolyPhen-2) suggests that this variant is likely to be tolerated. In summary, the available evidence is currently insufficient to determine the role of this variant in disease. Therefore, it has been classified as a Variant of Uncertain Significance.

Ambry Genetics
Classification: Uncertain significance for Hereditary cancer-predisposing syndrome. Last evaluated: 2024-05-01. Review status: criteria provided, single submitter. Criteria: Ambry Variant Classification Scheme 2023. Collection method: clinical testing. Allele origin: germline.
Comment: The p.E1040K variant (also known as c.3118G>A), located in coding exon 24 of the POLD1 gene, results from a G to A substitution at nucleotide position 3118. The glutamic acid at codon 1040 is replaced by lysine, an amino acid with similar properties. This amino acid position is conserved. In addition, this alteration is predicted to be tolerated by in silico analysis. Since supporting evidence is limited at this time, the clinical significance of this alteration remains unclear.

GeneDx
Classification: Uncertain significance. Last evaluated: 2022-10-10. Review status: criteria provided, single submitter. Criteria: GeneDx Variant Classification Process June 2021. Collection method: clinical testing. Allele origin: germline. Affected: yes.
Comment: Not observed at significant frequency in large population cohorts (gnomAD); In silico analysis supports that this missense variant has a deleterious effect on protein structure/function; Has not been previously published as pathogenic or benign to our knowledge; This variant is associated with the following publications: (PMID: 19296856, 27535533)

NM_002691.4(POLD1):c.3118G>A (p.Glu1040Lys)

Gene: POLD1 (DNA polymerase delta 1, catalytic subunit; plus strand). Cytogenetic location: 19q13.33.
Variant type: single nucleotide variant.
Coding change: c.3118G>A on transcript NM_002691.4 (MANE Select); coding-DNA position 3118, G replaced by A.
Protein change: p.Glu1040Lys; replaces glutamic acid 1040 with lysine.
Molecular consequence: missense variant. On other transcripts: non-coding transcript variant (1).
Genome position (GRCh38, 1-based): chr19:50,417,095, G>A. VCF-style: chr19-50417095-G-A. GRCh37 (hg19) VCF-style: chr19-50920352-G-A.
Other names: c.3118G>A, p.Glu1040Lys (NM_001256849.1); c.3196G>A, p.Glu1066Lys (NM_001308632.1); short protein forms E1040K, E1066K.
Identifiers: ClinVar variation 391703 (VCV000391703.18), dbSNP rs1057524200, ClinGen allele CA16607937.